The following is an entry in ClinVar:

NM_004341.5(CAD):c.5293C>T (p.Pro1765Ser)

Gene: CAD (carbamoyl-phosphate synthetase 2, aspartate transcarbamylase, and dihydroorotase; plus strand). Cytogenetic location: 2p23.3.
Variant type: single nucleotide variant.
Coding change: c.5293C>T on transcript NM_004341.5 (MANE Select); coding-DNA position 5293, C replaced by T.
Protein change: p.Pro1765Ser; replaces proline 1765 with serine.
Molecular consequence: missense variant.
Genome position (GRCh38, 1-based): chr2:27,239,370, C>T. VCF-style: chr2-27239370-C-T. GRCh37 (hg19) VCF-style: chr2-27462238-C-T.
Other names: c.5104C>T, p.Pro1702Ser (NM_001306079.2); c.5293C>T (NM_004341.3); short protein forms P1702S, P1765S.
Identifiers: ClinVar variation 1351038 (VCV001351038.4), dbSNP rs752814680, ClinGen allele CA1573807.

ClinVar aggregate classification (germline): Uncertain significance. Review status: criteria provided, multiple submitters, no conflicts (2 of 4 stars). 2 submissions from 2 submitters: Uncertain significance (2). Last evaluated 2025-06-23.

Conditions:
Inborn genetic diseases. Identifiers: MedGen C0950123, MeSH D030342.

Allele frequency attached by ClinVar (database versions not stated): gnomAD exomes 0.00001 and 0.00002; ExAC 0.00002; gnomAD 0.00005 and 0.00006; TOPMed 0.00008.

Submissions (2):

Ambry Genetics
Classification: Uncertain significance for Inborn genetic diseases. Last evaluated: 2025-06-23. Review status: criteria provided, single submitter. Criteria: Ambry Variant Classification Scheme 2023. Collection method: clinical testing. Allele origin: germline.

Labcorp Genetics (formerly Invitae), Labcorp
Classification: Uncertain significance. Last evaluated: 2022-02-18. Review status: criteria provided, single submitter. Criteria: Invitae Variant Classification Sherloc (09022015). Collection method: clinical testing. Allele origin: germline.
Comment: This sequence change replaces proline, which is neutral and non-polar, with serine, which is neutral and polar, at codon 1765 of the CAD protein (p.Pro1765Ser). This variant is present in population databases (rs752814680, gnomAD 0.03%). This variant has not been reported in the literature in individuals affected with CAD-related conditions. Algorithms developed to predict the effect of missense changes on protein structure and function (SIFT, PolyPhen-2, Align-GVGD) all suggest that this variant is likely to be tolerated. In summary, the available evidence is currently insufficient to determine the role of this variant in disease. Therefore, it has been classified as a Variant of Uncertain Significance.